The following is an entry in ClinVar:

ClinVar aggregate classification (germline): Conflicting classifications of pathogenicity. Review status: criteria provided, conflicting classifications (1 of 4 stars). 2 submissions from 2 submitters: Likely pathogenic (1); Uncertain significance (1). Last evaluated 2024-11-04.

Conditions:
Dilated cardiomyopathy 1G (CMD1G). Identifiers: Orphanet 154, MedGen C1858763, MONDO:0011400, OMIM 604145.
Autosomal recessive limb-girdle muscular dystrophy type 2J (LGMDR10). Also called: MUSCULAR DYSTROPHY, LIMB-GIRDLE, AUTOSOMAL RECESSIVE 10; Limb-girdle muscular dystrophy, type 2J. Identifiers: Orphanet 140922, MedGen C1837342, MONDO:0012127, OMIM 608807.

Submissions (2):

Labcorp Genetics (formerly Invitae), Labcorp
Classification: Likely pathogenic for Dilated cardiomyopathy 1G; Autosomal recessive limb-girdle muscular dystrophy type 2J. Last evaluated: 2024-11-04. Review status: criteria provided, single submitter. Criteria: Invitae Variant Classification Sherloc (09022015). Collection method: clinical testing. Allele origin: germline.
Comment: This sequence change affects a donor splice site in intron 61 of the TTN gene. It is expected to disrupt RNA splicing and likely results in a truncated or disrupted TTN protein. This variant is not present in population databases (gnomAD no frequency). This variant has not been reported in the literature in individuals affected with TTN-related conditions. ClinVar contains an entry for this variant (Variation ID: 593028). Algorithms developed to predict the effect of sequence changes on RNA splicing suggest that this variant may disrupt the consensus splice site. This variant is located in the I band of TTN (PMID: 25589632). Truncating variants in this region have been reported in individuals affected with autosomal recessive centronuclear myopathy (PMID: 23975875, internal data). Truncating variants in this region have also been identified in individuals affected with autosomal dominant dilated cardiomyopathy and/or cardio-related conditions (PMID: 27869827, 32964742, internal data). In summary, the currently available evidence indicates that the variant is pathogenic, but additional data are needed to prove that conclusively. Therefore, this variant has been classified as Likely Pathogenic.

Eurofins Ntd Llc (ga)
Classification: Uncertain significance. Last evaluated: 2017-07-05. Review status: criteria provided, single submitter. Criteria: EGL Classification Definitions 2015. Collection method: clinical testing. Allele origin: germline. Observed: 1 variant allele, 1 heterozygote.

Literature cited by the submitters: PubMed 25589632 (cited by Labcorp Genetics (formerly Invitae), Labcorp); PubMed 23975875 (cited by Labcorp Genetics (formerly Invitae), Labcorp); PubMed 27869827 (cited by Labcorp Genetics (formerly Invitae), Labcorp); PubMed 32964742 (cited by Labcorp Genetics (formerly Invitae), Labcorp).

NM_001267550.2(TTN):c.18028+1G>A

Gene: TTN (titin; minus strand). Cytogenetic location: 2q31.2.
Variant type: single nucleotide variant.
Coding change: c.18028+1G>A on transcript NM_001267550.2 (MANE Select); the canonical splice donor site of the intron after coding-DNA position 18028, G replaced by A.
Molecular consequence: splice donor variant. On other transcripts: intron variant (3).
Genome position (GRCh38, 1-based): chr2:178,730,504, C>T on the plus strand (G>A on the coding strand, the complement: TTN is on the minus strand). VCF-style: chr2-178730504-C-T. GRCh37 (hg19) VCF-style: chr2-179595231-C-T.
Other names: c.13282+7578G>A (NM_003319.4); c.13858+7578G>A (NM_133437.4); c.13657+7578G>A (NM_133432.3); c.14296+1G>A (NM_133378.4); c.17077+1G>A (NM_001256850.1).
Identifiers: ClinVar variation 593028 (VCV000593028.15), dbSNP rs1560786548, ClinGen allele CA349567589.